The following is an entry in ClinVar:

ClinVar aggregate classification (germline): Pathogenic. Review status: criteria provided, multiple submitters, no conflicts (2 of 4 stars). 2 submissions from 2 submitters: Pathogenic (2). Last evaluated 2025-05-15.

Allele frequency attached by ClinVar (database versions not stated): gnomAD exomes below 0.00001.

Submissions (2):

GeneDx
Classification: Pathogenic. Last evaluated: 2025-05-15. Review status: criteria provided, single submitter. Criteria: GeneDx Variant Classification Process June 2021. Collection method: clinical testing. Allele origin: germline. Affected: yes.
Comment: Canonical splice site variant in a gene for which loss-of-function is a known mechanism of disease; Not observed at significant frequency in large population cohorts (gnomAD); This variant is associated with the following publications: (PMID: 30771411)

Labcorp Genetics (formerly Invitae), Labcorp
Classification: Pathogenic. Last evaluated: 2023-06-23. Review status: criteria provided, single submitter. Criteria: Invitae Variant Classification Sherloc (09022015). Collection method: clinical testing. Allele origin: germline.
Comment: For these reasons, this variant has been classified as Pathogenic. Algorithms developed to predict the effect of sequence changes on RNA splicing suggest that this variant may disrupt the consensus splice site. Studies have shown that disruption of this splice site alters ARPC1B gene expression (PMID: 30771411). Disruption of this splice site has been observed in individual(s) with clinical features of ARPC1B deficiency (PMID: 30771411). This variant is not present in population databases (gnomAD no frequency). This sequence change affects a donor splice site in intron 4 of the ARPC1B gene. It is expected to disrupt RNA splicing. Variants that disrupt the donor or acceptor splice site typically lead to a loss of protein function (PMID: 16199547), and loss-of-function variants in ARPC1B are known to be pathogenic (PMID: 27965109, 28368018, 29127144).

Literature cited by the submitters: PubMed 30771411 (cited by Labcorp Genetics (formerly Invitae), Labcorp); PubMed 16199547 (cited by Labcorp Genetics (formerly Invitae), Labcorp); PubMed 27965109 (cited by Labcorp Genetics (formerly Invitae), Labcorp); PubMed 28368018 (cited by Labcorp Genetics (formerly Invitae), Labcorp); PubMed 29127144 (cited by Labcorp Genetics (formerly Invitae), Labcorp).

NM_005720.4(ARPC1B):c.392+2T>C

Gene: ARPC1B (actin related protein 2/3 complex subunit 1B; plus strand). Cytogenetic location: 7q22.1.
Variant type: single nucleotide variant.
Coding change: c.392+2T>C on transcript NM_005720.4 (MANE Select); the canonical splice donor site of the intron after coding-DNA position 392, T replaced by C.
Molecular consequence: splice donor variant.
Genome position (GRCh38, 1-based): chr7:99,388,263, T>C. VCF-style: chr7-99388263-T-C. GRCh37 (hg19) VCF-style: chr7-98985886-T-C.
Identifiers: ClinVar variation 2907374 (VCV002907374.4), dbSNP rs2484635137, ClinGen allele CA368320102.